The following is an entry in ClinVar:

ClinVar aggregate classification (germline): Conflicting classifications of pathogenicity. Review status: criteria provided, conflicting classifications (1 of 4 stars). 10 submissions from 10 submitters: Uncertain significance (5); Likely benign (5). Last evaluated 2025-10-27.

Conditions:
BRCA2-related disorder. Also called: BRCA2-related condition; BRCA2-related disorders. Identifiers: MedGen CN239275.
Hereditary cancer-predisposing syndrome. Also called: Tumor predisposition; Neoplastic Syndromes, Hereditary; Hereditary neoplastic syndrome; Hereditary Cancer Syndrome. Identifiers: Orphanet 140162, MedGen C0027672, MeSH D009386, MONDO:0015356.
Hereditary breast ovarian cancer syndrome. Also called: Hereditary breast and ovarian cancer syndrome; Hereditary breast and ovarian cancer; Hereditary breast and ovarian cancer syndrome (HBOC); Hereditary breast and/or ovarian cancer syndrome; BRCA1- and BRCA2-Associated Hereditary Breast and Ovarian Cancer; Breast and ovarian cancer. Identifiers: Orphanet 145, MedGen C0677776, MeSH D061325, MONDO:0003582. Disease mechanism: loss of function.
Breast-ovarian cancer, familial, susceptibility to, 2 (BROVCA2). Also called: BRCA2 Hereditary Breast and Ovarian Cancer. Identifiers: Orphanet 145, MedGen C2675520, MONDO:0012933, OMIM 612555. Disease mechanism: loss of function.

Allele frequency attached by ClinVar (database versions not stated): gnomAD exomes below 0.00001 and 0.00001; ExAC 0.00001.
gnomAD v4.1: 8 of 1,607,208 alleles (0.0005%); highest among the groups gnomAD compares: African/African-American, 0.0027%; no homozygotes.

Submissions (10):

Myriad Genetics, Inc.
Classification: Likely benign for Breast-ovarian cancer, familial, susceptibility to, 2. Last evaluated: 2025-10-27. Review status: criteria provided, single submitter. Criteria: Myriad Autosomal Dominant, Autosomal Recessive and X-Linked Classification Criteria (2023). Collection method: clinical testing. Allele origin: unknown.
Comment: This variant is considered likely benign. This variant is strongly associated with less severe personal and family histories of cancer, typical for individuals without pathogenic variants in this gene [PMID: 25085752].

Labcorp Genetics (formerly Invitae), Labcorp
Classification: Uncertain significance for Hereditary breast ovarian cancer syndrome. Last evaluated: 2025-08-03. Review status: criteria provided, single submitter. Criteria: Invitae Variant Classification Sherloc (09022015). Collection method: clinical testing. Allele origin: germline.
Comment: This sequence change replaces isoleucine, which is neutral and non-polar, with valine, which is neutral and non-polar, at codon 1258 of the BRCA2 protein (p.Ile1258Val). This variant is present in population databases (rs587782720, gnomAD 0.007%). This variant has not been reported in the literature in individuals affected with BRCA2-related conditions. ClinVar contains an entry for this variant (Variation ID: 142792). Invitae Evidence Modeling of protein sequence and biophysical properties (such as structural, functional, and spatial information, amino acid conservation, physicochemical variation, residue mobility, and thermodynamic stability) indicates that this missense variant is not expected to disrupt BRCA2 protein function with a negative predictive value of 95%. RNA analysis performed to evaluate the impact of this missense change on mRNA splicing indicates it does not significantly alter splicing (internal data). In summary, the available evidence is currently insufficient to determine the role of this variant in disease. Therefore, it has been classified as a Variant of Uncertain Significance.

PreventionGenetics, part of Exact Sciences
Classification: Uncertain significance for BRCA2-related condition. Last evaluated: 2025-06-21. Review status: criteria provided, single submitter. Criteria: ACMG Guidelines, 2015. Collection method: clinical testing. Allele origin: germline.
Comment: The BRCA2 c.3772A>G variant is predicted to result in the amino acid substitution p.Ile1258Val. To our knowledge, this variant has not been reported in the literature. This variant is reported in 0.0062% of alleles in individuals of African descent in gnomAD and has conflicting interpretations in ClinVar regarding its pathogenicity, ranging from uncertain significance to likely benign. This variant occurs within a region of the BRCA2 gene that is predicted to be tolerant to missense variation (Table 2, Dines et al. 2020. PubMed ID: 31911673). At this time, the clinical significance of this variant is uncertain due to the absence of conclusive functional and genetic evidence.

Ambry Genetics
Classification: Likely benign for Hereditary cancer-predisposing syndrome. Last evaluated: 2025-04-15. Review status: criteria provided, single submitter. Criteria: Ambry Variant Classification Scheme 2023. Collection method: clinical testing. Allele origin: germline.

Color Diagnostics, LLC DBA Color Health
Classification: Likely benign for Hereditary cancer-predisposing syndrome. Last evaluated: 2025-03-25. Review status: criteria provided, single submitter. Criteria: ACMG Guidelines, 2015. Collection method: clinical testing. Allele origin: germline.

Center for Genomic Medicine, Rigshospitalet, Copenhagen University Hospital
Classification: Likely benign. Last evaluated: 2025-03-04. Review status: criteria provided, single submitter. Criteria: ACMG Guidelines, 2015. Collection method: clinical testing. Allele origin: germline.

GeneDx
Classification: Uncertain significance. Last evaluated: 2023-12-17. Review status: criteria provided, single submitter. Criteria: GeneDx Variant Classification Process June 2021. Collection method: clinical testing. Allele origin: germline. Affected: yes.
Comment: Not observed at significant frequency in large population cohorts (gnomAD); In silico analysis supports that this missense variant does not alter protein structure/function; Observed in individuals with breast cancer (PMID: 28179634); Also known as 4000A>G; This variant is associated with the following publications: (PMID: 31131967, 28179634)

All of Us Research Program, National Institutes of Health
Classification: Uncertain significance for Breast-ovarian cancer, familial, susceptibility to, 2. Last evaluated: 2023-07-10. Review status: criteria provided, single submitter. Criteria: ACMG Guidelines, 2015. Collection method: clinical testing. Allele origin: germline. Inheritance: Autosomal dominant inheritance. Observed: 2 variant alleles, 2 heterozygotes.
Comment: This missense variant replaces isoleucine with valine at codon 1258 of the BRCA2 protein. Computational prediction suggests that this variant may not impact protein structure and function (internally defined REVEL score threshold <= 0.5, PMID: 27666373). To our knowledge, functional studies have not been reported for this variant. This variant has been reported in an individual affected with breast cancer (PMID: 33471991; Leiden Open Variation Database DB-ID BRCA2_005885) and an individual with a personal or family history of breast or ovarian cancer (PMID: 32059136). This variant has been reported in a multifactorial analysis with co-occurrence and family history likelihood ratios for pathogenicity of 1.050 and 0.667, respectively (PMID: 31131967). This variant has been identified in 1/245212 chromosomes in the general population by the Genome Aggregation Database (gnomAD). The available evidence is insufficient to determine the role of this variant in disease conclusively. Therefore, this variant is classified as a Variant of Uncertain Significance.

This study involves interpretation of variants in research participants for the purpose of population health screening. Participant phenotype was not available at the time of variant classification. Additional details can be found in publication PMID: 35346344, PMCID: PMC8962531

University of Washington Department of Laboratory Medicine, University of Washington
Classification: Likely benign for Hereditary cancer-predisposing syndrome. Last evaluated: 2023-03-23. Review status: criteria provided, single submitter. Criteria: Dines et al. (Genet Med. 2020). Collection method: curation. Allele origin: germline.
Comment: Missense variant in a coldspot region where missense variants are very unlikely to be pathogenic (PMID:31911673).

BRCA2 exon 11 coldspot. Reclassification based on statistical prior probability.

Quest Diagnostics Nichols Institute San Juan Capistrano
Classification: Uncertain significance. Last evaluated: 2020-09-29. Review status: criteria provided, single submitter. Criteria: Quest Diagnostics criteria. Collection method: clinical testing. Allele origin: unknown.

Literature cited by the submitters: PubMed 25085752 (cited by Myriad Genetics, Inc.); PubMed 31131967 (cited by All of Us Research Program, National Institutes of Health); PubMed 32059136 (cited by All of Us Research Program, National Institutes of Health); PubMed 33471991 (cited by All of Us Research Program, National Institutes of Health).

NM_000059.4(BRCA2):c.3772A>G (p.Ile1258Val)

Gene: BRCA2 (BRCA2 DNA repair associated; plus strand). Cytogenetic location: 13q13.1.
Variant type: single nucleotide variant.
Coding change: c.3772A>G on transcript NM_000059.4 (MANE Select); coding-DNA position 3772, A replaced by G.
Protein change: p.Ile1258Val; replaces isoleucine 1258 with valine.
Molecular consequence: missense variant.
Genome position (GRCh38, 1-based): chr13:32,338,127, A>G. VCF-style: chr13-32338127-A-G. GRCh37 (hg19) VCF-style: chr13-32912264-A-G.
Other names: short protein forms I1258V.
Identifiers: ClinVar variation 142792 (VCV000142792.35), dbSNP rs587782720, ClinGen allele CA018772.